The following is an entry in ClinVar:

ClinVar aggregate classification (germline): Uncertain significance (1 of 4 stars; one submission).

Conditions:
Early-infantile DEE. Also called: Early infantile epileptic encephalopathy with suppression bursts; Ohtahara syndrome; Early infantile epileptic encephalopathy. Identifiers: Orphanet 1934, MedGen C0393706, MONDO:0800491.

Allele frequency attached by ClinVar (database versions not stated): gnomAD exomes below 0.00001.
gnomAD v4.1: 3 of 1,613,902 alleles (0.00019%); highest among the groups gnomAD compares: South Asian, 0.0011%; no homozygotes.

Submission:

Labcorp Genetics (formerly Invitae), Labcorp
Classification: Uncertain significance for Early-infantile DEE. Last evaluated: 2025-01-06. Review status: criteria provided, single submitter. Criteria: Invitae Variant Classification Sherloc (09022015). Collection method: clinical testing. Allele origin: germline.
Comment: This sequence change replaces aspartic acid, which is acidic and polar, with glycine, which is neutral and non-polar, at codon 324 of the CACNA2D2 protein (p.Asp324Gly). This variant is present in population databases (no rsID available, gnomAD 0.0009%). This variant has not been reported in the literature in individuals affected with CACNA2D2-related conditions. ClinVar contains an entry for this variant (Variation ID: 1000543). An algorithm developed to predict the effect of missense changes on protein structure and function (PolyPhen-2) suggests that this variant is likely to be disruptive. In summary, the available evidence is currently insufficient to determine the role of this variant in disease. Therefore, it has been classified as a Variant of Uncertain Significance.

NM_006030.4(CACNA2D2):c.971A>G (p.Asp324Gly)

Gene: CACNA2D2 (calcium voltage-gated channel auxiliary subunit alpha2delta 2; minus strand). Cytogenetic location: 3p21.31.
Variant type: single nucleotide variant.
Coding change: c.971A>G on transcript NM_006030.4 (MANE Select); coding-DNA position 971, A replaced by G.
Protein change: p.Asp324Gly; replaces aspartic acid 324 with glycine.
Molecular consequence: missense variant.
Genome position (GRCh38, 1-based): chr3:50,379,747, T>C on the plus strand (A>G on the coding strand, the complement: CACNA2D2 is on the minus strand). VCF-style: chr3-50379747-T-C. GRCh37 (hg19) VCF-style: chr3-50417178-T-C.
Other names: c.971A>G, p.Asp324Gly (NM_001005505.3, NM_001174051.3); c.764A>G, p.Asp255Gly (NM_001291101.1); short protein forms D255G, D324G.
Identifiers: ClinVar variation 1000543 (VCV001000543.6), dbSNP rs1341700300, ClinGen allele CA352937767.